The following is an entry in ClinVar:

ClinVar aggregate classification (germline): Uncertain significance (1 of 4 stars; one submission).

Conditions:
Baller-Gerold syndrome (BGS). Also called: CRANIOSYNOSTOSIS WITH RADIAL DEFECTS. Identifiers: Orphanet 1225, MedGen C0265308, MONDO:0009039, OMIM 218600.

Submission:

Labcorp Genetics (formerly Invitae), Labcorp
Classification: Uncertain significance for Baller-Gerold syndrome. Last evaluated: 2021-07-22. Review status: criteria provided, single submitter. Criteria: Invitae Variant Classification Sherloc (09022015). Collection method: clinical testing. Allele origin: germline.
Comment: In summary, the available evidence is currently insufficient to determine the role of this variant in disease. Therefore, it has been classified as a Variant of Uncertain Significance. Experimental studies and prediction algorithms are not available or were not evaluated, and the functional significance of this variant is currently unknown. This variant has not been reported in the literature in individuals affected with RECQL4-related conditions. This variant is not present in population databases (ExAC no frequency). This sequence change replaces leucine with phenylalanine at codon 923 of the RECQL4 protein (p.Leu923Phe). The leucine residue is highly conserved and there is a small physicochemical difference between leucine and phenylalanine.

NM_004260.4(RECQL4):c.2769G>T (p.Leu923Phe)

Gene: RECQL4 (RecQ like helicase 4; minus strand). Cytogenetic location: 8q24.3.
Variant type: single nucleotide variant.
Coding change: c.2769G>T on transcript NM_004260.4 (MANE Select); coding-DNA position 2769, G replaced by T.
Protein change: p.Leu923Phe; replaces leucine 923 with phenylalanine.
Molecular consequence: missense variant.
Genome position (GRCh38, 1-based): chr8:144,512,758, C>A on the plus strand (G>T on the coding strand, the complement: RECQL4 is on the minus strand). VCF-style: chr8-144512758-C-A. GRCh37 (hg19) VCF-style: chr8-145738141-C-A.
Other names: short protein forms L923F.
Identifiers: ClinVar variation 1482215 (VCV001482215.6), dbSNP rs368618566, ClinGen allele CA372674530.